The following is an entry in ClinVar:

ClinVar aggregate classification (germline): Benign (1 of 4 stars; one submission).

Allele frequency attached by ClinVar (database versions not stated): TOPMed 0.58167; gnomAD 0.58372 and 0.58527; 1000 Genomes Project 0.58646; 1000 Genomes Project 30x 0.59307.
gnomAD v4.1: 88,332 of 151,752 alleles (58%); highest among the groups gnomAD compares: African/African-American, 78%; 27,053 homozygotes.

Submission:

GeneDx
Classification: Benign. Last evaluated: 2018-06-14. Review status: criteria provided, single submitter. Criteria: GeneDx Variant Classification (06012015). Collection method: clinical testing. Allele origin: germline. Affected: yes.
Comment: This variant is considered likely benign or benign based on one or more of the following criteria: it is a conservative change, it occurs at a poorly conserved position in the protein, it is predicted to be benign by multiple in silico algorithms, and/or has population frequency not consistent with disease.

NM_139343.3(BIN1):c.85-177A>G

Gene: BIN1 (bridging integrator 1; minus strand). Cytogenetic location: 2q14.3.
Variant type: single nucleotide variant.
Coding change: c.85-177A>G on transcript NM_139343.3 (MANE Select); 177 bases into the intron before coding-DNA position 85, A replaced by G.
Molecular consequence: intron variant.
Genome position (GRCh38, 1-based): chr2:127,076,883, T>C on the plus strand (A>G on the coding strand, the complement: BIN1 is on the minus strand). VCF-style: chr2-127076883-T-C. GRCh37 (hg19) VCF-style: chr2-127834459-T-C.
Other names: c.4-177A>G (NM_001320642.1); c.13-177A>G (NM_001320634.1); c.85-177A>G (NM_139351.3, NM_139350.3, NM_139349.3 and 10 more transcripts).
Identifiers: ClinVar variation 678124 (VCV000678124.1), dbSNP rs7562227, ClinGen allele CA11082076.
Genomic context (GRCh38, chr2:127,076,883, plus strand): 5'-ACCCAGCCCAGGGTGCCCACCCAGGGCTGCAATCCCAGGGCATGGCTGGGTCCATCAGGT[T>C]TTCAGGCCTCCCCACCCTCTACCCAGGGCTCGACAATAGGCCAAAAATGGAGCTTAGGAC-3'